The following is an entry in ClinVar:

ClinVar aggregate classification (germline): Uncertain significance (1 of 4 stars; one submission).

Conditions:
Isolated microphthalmia 5. Also called: Posterior Microphthalmia with Retinitis Pigmentosa, Foveoschisis, and Optic Disc Drusen. Identifiers: Orphanet 251279, MedGen C1970236, MONDO:0012605, OMIM 611040.

Submission:

Labcorp Genetics (formerly Invitae), Labcorp
Classification: Uncertain significance for Isolated microphthalmia 5. Last evaluated: 2023-11-27. Review status: criteria provided, single submitter. Criteria: Invitae Variant Classification Sherloc (09022015). Collection method: clinical testing. Allele origin: germline.
Comment: This sequence change replaces proline, which is neutral and non-polar, with leucine, which is neutral and non-polar, at codon 151 of the MFRP protein (p.Pro151Leu). This variant is not present in population databases (gnomAD no frequency). This variant has not been reported in the literature in individuals affected with MFRP-related conditions. ClinVar contains an entry for this variant (Variation ID: 2062439). Advanced modeling of protein sequence and biophysical properties (such as structural, functional, and spatial information, amino acid conservation, physicochemical variation, residue mobility, and thermodynamic stability) performed at Invitae indicates that this missense variant is not expected to disrupt MFRP protein function with a negative predictive value of 80%. In summary, the available evidence is currently insufficient to determine the role of this variant in disease. Therefore, it has been classified as a Variant of Uncertain Significance.

NM_031433.4(MFRP):c.452C>T (p.Pro151Leu)

Genes: C1QTNF5 (C1q and TNF related 5; minus strand), MFRP (membrane frizzled-related protein; minus strand). Cytogenetic location: 11q23.3.
Variant type: single nucleotide variant.
Coding change: c.452C>T on transcript NM_031433.4 (MANE Select); coding-DNA position 452, C replaced by T.
Protein change: p.Pro151Leu; replaces proline 151 with leucine.
Molecular consequence: missense variant. On other transcripts: 5 prime UTR variant (1).
Genome position (GRCh38, 1-based): chr11:119,345,609, G>A on the plus strand (C>T on the coding strand, the complement: MFRP is on the minus strand). VCF-style: chr11-119345609-G-A. GRCh37 (hg19) VCF-style: chr11-119216319-G-A.
Other names: c.-2185C>T (NM_015645.5); short protein forms P151L.
Identifiers: ClinVar variation 2062439 (VCV002062439.4), dbSNP rs200291895, ClinGen allele CA382978541.
Genomic context (GRCh38, chr11:119,345,609, plus strand): 5'-ACGCAGTGGGTGTTGGGGGGGTAAGGGTCTGGGTAGTTAGGGCTGCTGAAGAAGCCCCTT[G>A]GGCCAGAGAGGAGGCCTCCACAGGCTGCAGAGATGGAGGTTAGAGTTCAGAGGTCAAAAG-3'
Protein context (NP_113621.1, residues 141-161): QSTCGGLLSG[Pro151Leu]RGFFSSPNYP